The following is an entry in ClinVar:

NM_015047.3(EMC1):c.1760G>A (p.Cys587Tyr)

Genes: EMC1 (ER membrane protein complex subunit 1; minus strand), EMC1-AS1 (EMC1 antisense RNA 1; plus strand). Cytogenetic location: 1p36.13.
Variant type: single nucleotide variant.
Coding change: c.1760G>A on transcript NM_015047.3 (MANE Select); coding-DNA position 1760, G replaced by A.
Protein change: p.Cys587Tyr; replaces cysteine 587 with tyrosine.
Molecular consequence: missense variant.
Genome position (GRCh38, 1-based): chr1:19,232,646, C>T on the plus strand (G>A on the coding strand, the complement: EMC1 is on the minus strand). VCF-style: chr1-19232646-C-T. GRCh37 (hg19) VCF-style: chr1-19559140-C-T.
Other names: c.1757G>A, p.Cys586Tyr (NM_001271427.2, NM_001271428.2); c.1694G>A, p.Cys565Tyr (NM_001271429.2); c.1769G>A, p.Cys590Tyr (NM_001375820.1); c.1766G>A, p.Cys589Tyr (NM_001375821.1); short protein forms C589Y, C590Y, C565Y, C586Y, C587Y.
Identifiers: ClinVar variation 2096400 (VCV002096400.4), dbSNP rs2536730170, ClinGen allele CA338760443.
Genomic context (GRCh38, chr1:19,232,646, plus strand): 5'-ACACTGAGTCTGGCTCAAGTCAGAGCTGGATGCCTCACCTTGTCCTTCACCAGCAGGGTG[C>T]ACTGTGGGGGATGGGGGAAATGAGCAGTAGTTCTCTGGACCATCAGTTTAAAGGAGGAGT-3'
Protein context (NP_055862.1, residues 577-597): TTAHFPHPPQ[Cys587Tyr]TLLVKDKESG

ClinVar aggregate classification (germline): Uncertain significance (1 of 4 stars; one submission).

Submission:

Labcorp Genetics (formerly Invitae), Labcorp
Classification: Uncertain significance. Last evaluated: 2022-03-13. Review status: criteria provided, single submitter. Criteria: Invitae Variant Classification Sherloc (09022015). Collection method: clinical testing. Allele origin: germline.
Comment: In summary, the available evidence is currently insufficient to determine the role of this variant in disease. Therefore, it has been classified as a Variant of Uncertain Significance. Algorithms developed to predict the effect of missense changes on protein structure and function are either unavailable or do not agree on the potential impact of this missense change (SIFT: "Tolerated"; PolyPhen-2: "Possibly Damaging"; Align-GVGD: "Class C0"). This variant has not been reported in the literature in individuals affected with EMC1-related conditions. This variant is not present in population databases (gnomAD no frequency). This sequence change replaces cysteine, which is neutral and slightly polar, with tyrosine, which is neutral and polar, at codon 587 of the EMC1 protein (p.Cys587Tyr).